The following is an entry in ClinVar:

ClinVar aggregate classification (germline): Uncertain significance. Review status: criteria provided, multiple submitters, no conflicts (2 of 4 stars). 3 submissions from 3 submitters: Uncertain significance (3). Last evaluated 2025-11-16.

Conditions:
Cardiovascular phenotype. Identifiers: MedGen CN230736.
Brugada syndrome 8 (BRGDA8). Identifiers: Orphanet 130, MedGen C2751083, MONDO:0013148, OMIM 613123.

Allele frequency attached by ClinVar (database versions not stated): ExAC below 0.00001; gnomAD 0.00003 and 0.00004; TOPMed 0.00005.
gnomAD v4.1: 16 of 1,592,170 alleles (0.001%); highest among the groups gnomAD compares: African/African-American, 0.0054%; no homozygotes.

Submissions (3):

Labcorp Genetics (formerly Invitae), Labcorp
Classification: Uncertain significance for Brugada syndrome 8. Last evaluated: 2025-11-16. Review status: criteria provided, single submitter. Criteria: Invitae Variant Classification Sherloc (09022015). Collection method: clinical testing. Allele origin: germline.
Comment: This sequence change replaces proline, which is neutral and non-polar, with serine, which is neutral and polar, at codon 1137 of the HCN4 protein (p.Pro1137Ser). The frequency data for this variant in the population databases is considered unreliable, as metrics indicate poor data quality at this position in the gnomAD database. This variant has not been reported in the literature in individuals affected with HCN4-related conditions. ClinVar contains an entry for this variant (Variation ID: 580597). Invitae Evidence Modeling of protein sequence and biophysical properties (such as structural, functional, and spatial information, amino acid conservation, physicochemical variation, residue mobility, and thermodynamic stability) has been performed for this missense variant. However, the output from this modeling did not meet the statistical confidence thresholds required to predict the impact of this variant on HCN4 protein function. In summary, the available evidence is currently insufficient to determine the role of this variant in disease. Therefore, it has been classified as a Variant of Uncertain Significance.

Ambry Genetics
Classification: Uncertain significance for Cardiovascular phenotype. Last evaluated: 2024-10-16. Review status: criteria provided, single submitter. Criteria: Ambry Variant Classification Scheme 2023. Collection method: clinical testing. Allele origin: germline.

GeneDx
Classification: Uncertain significance. Last evaluated: 2022-09-16. Review status: criteria provided, single submitter. Criteria: GeneDx Variant Classification Process June 2021. Collection method: clinical testing. Allele origin: germline. Affected: yes.
Comment: Not observed at significant frequency in large population cohorts (gnomAD); In silico analysis supports that this missense variant does not alter protein structure/function; Has not been previously published as pathogenic or benign to our knowledge

NM_005477.3(HCN4):c.3409C>T (p.Pro1137Ser)

Gene: HCN4 (hyperpolarization activated cyclic nucleotide gated potassium channel 4; minus strand). Cytogenetic location: 15q24.1.
Variant type: single nucleotide variant.
Coding change: c.3409C>T on transcript NM_005477.3 (MANE Select); coding-DNA position 3409, C replaced by T.
Protein change: p.Pro1137Ser; replaces proline 1137 with serine.
Molecular consequence: missense variant.
Genome position (GRCh38, 1-based): chr15:73,322,684, G>A on the plus strand (C>T on the coding strand, the complement: HCN4 is on the minus strand). VCF-style: chr15-73322684-G-A. GRCh37 (hg19) VCF-style: chr15-73615025-G-A.
Other names: short protein forms P1137S.
Identifiers: ClinVar variation 580597 (VCV000580597.16), dbSNP rs773914774, ClinGen allele CA7648829.